The following is an entry in ClinVar:

NM_000535.7(PMS2):c.1987G>T (p.Glu663Ter)

Gene: PMS2 (PMS1 homolog 2, mismatch repair system component; minus strand). Cytogenetic location: 7p22.1.
Variant type: single nucleotide variant.
Coding change: c.1987G>T on transcript NM_000535.7 (MANE Select); coding-DNA position 1987, G replaced by T.
Protein change: p.Glu663Ter; replaces glutamic acid 663 with a stop codon.
Molecular consequence: nonsense. On other transcripts: non-coding transcript variant (1).
Genome position (GRCh38, 1-based): chr7:5,986,778, C>A on the plus strand (G>T on the coding strand, the complement: PMS2 is on the minus strand). VCF-style: chr7-5986778-C-A. GRCh37 (hg19) VCF-style: chr7-6026409-C-A.
Other names: c.1582G>T, p.Glu528Ter (NM_001322003.2, NM_001322004.2, NM_001322005.2 and 1 more transcripts); c.1831G>T, p.Glu611Ter (NM_001322006.2); c.1669G>T, p.Glu557Ter (NM_001322007.2, NM_001322008.2); c.1426G>T, p.Glu476Ter (NM_001322010.2); c.1054G>T, p.Glu352Ter (NM_001322011.2, NM_001322012.2); c.1414G>T, p.Glu472Ter (NM_001322013.2); c.1987G>T, p.Glu663Ter (NM_001322014.2); c.1678G>T, p.Glu560Ter (NM_001322015.2); short protein forms E663*, E352*, E472*, E560*, E611*, E476*, E528*, E557*.
Identifiers: ClinVar variation 449941 (VCV000449941.8), dbSNP rs1554297061, ClinGen allele CA366738938.
Genomic context (GRCh38, chr7:5,986,778, plus strand): 5'-TTTTAGATAAAAAGAGAAAAAGTAAAAAATTAAAACTTTACCTTATCTCTTTTCTTAGTT[C>A]ATCTTCGGCTGCTTGATTTTCTCCAGGACAAATCTTTGCCCTAAACTTCCTGTAATTCTG-3'

ClinVar aggregate classification (germline): Pathogenic. Review status: criteria provided, multiple submitters, no conflicts (2 of 4 stars). 4 submissions from 4 submitters: Pathogenic (4). Last evaluated 2025-03-11.

Conditions:
Hereditary nonpolyposis colorectal neoplasms. Identifiers: MedGen C0009405, MeSH D003123.
Hereditary cancer-predisposing syndrome. Also called: Neoplastic Syndromes, Hereditary; Hereditary neoplastic syndrome; Hereditary Cancer Syndrome; Tumor predisposition. Identifiers: Orphanet 140162, MedGen C0027672, MeSH D009386, MONDO:0015356.
Lynch syndrome 4 (LYNCH4). Also called: Hereditary non-polyposis colorectal cancer, type 4; Colorectal cancer, hereditary nonpolyposis, type 4. Identifiers: Orphanet 144, MedGen C1838333, MONDO:0013699, OMIM 614337. Disease mechanism: loss of function.

Submissions (4):

Labcorp Genetics (formerly Invitae), Labcorp
Classification: Pathogenic for Hereditary nonpolyposis colorectal neoplasms. Last evaluated: 2025-03-11. Review status: criteria provided, single submitter. Criteria: Invitae Variant Classification Sherloc (09022015). Collection method: clinical testing. Allele origin: germline.
Comment: This sequence change creates a premature translational stop signal (p.Glu663*) in the PMS2 gene. It is expected to result in an absent or disrupted protein product. Loss-of-function variants in PMS2 are known to be pathogenic (PMID: 21376568, 24362816). This variant is not present in population databases (gnomAD no frequency). This variant has not been reported in the literature in individuals affected with PMS2-related conditions. ClinVar contains an entry for this variant (Variation ID: 449941). For these reasons, this variant has been classified as Pathogenic.

Myriad Genetics, Inc.
Classification: Pathogenic for Lynch syndrome 4. Last evaluated: 2023-09-21. Review status: criteria provided, single submitter. Criteria: Myriad Autosomal Dominant, Autosomal Recessive and X-Linked Classification Criteria (2023). Collection method: clinical testing. Allele origin: unknown.
Comment: This variant is considered pathogenic. This variant creates a termination codon and is predicted to result in premature protein truncation.

Ambry Genetics
Classification: Pathogenic for Hereditary cancer-predisposing syndrome. Last evaluated: 2021-02-15. Review status: criteria provided, single submitter. Criteria: Ambry Variant Classification Scheme 2023. Collection method: clinical testing. Allele origin: germline.
Comment: The p.E663* pathogenic mutation (also known as c.1987G>T), located in coding exon 11 of the PMS2 gene, results from a G to T substitution at nucleotide position 1987. This changes the amino acid from a glutamic acid to a stop codon within coding exon 11. This alteration is expected to result in loss of function by premature protein truncation or nonsense-mediated mRNA decay. As such, this alteration is interpreted as a disease-causing mutation.

GeneDx
Classification: Pathogenic. Last evaluated: 2017-04-19. Review status: criteria provided, single submitter. Criteria: GeneDx Variant Classification (06012015). Collection method: clinical testing. Allele origin: germline. Affected: yes.
Comment: This variant is denoted PMS2 c.1987G>T at the cDNA level and p.Glu663Ter (E663X) at the protein level. The substitution creates a nonsense variant, which changes a Glutamic Acid to a premature stop codon (GAA>TAA), and is predicted to cause loss of normal protein function through either protein truncation or nonsense-mediated mRNA decay. Although this variant has not, to our knowledge, been reported in the literature, it is considered pathogenic.

Literature cited by the submitters: PubMed 21376568 (cited by Labcorp Genetics (formerly Invitae), Labcorp); PubMed 24362816 (cited by Labcorp Genetics (formerly Invitae), Labcorp).